The following is an entry in ClinVar:

ClinVar aggregate classification (germline): Uncertain significance. Review status: criteria provided, multiple submitters, no conflicts (2 of 4 stars). 9 submissions from 9 submitters: Uncertain significance (8). 1 of the submissions does not count toward it. Last evaluated 2025-11-16.

Conditions:
Breast-ovarian cancer, familial, susceptibility to, 5 (BROVCA5). Identifiers: MedGen C5830615, MONDO:0957530, OMIM 620442.
Pancreatic cancer, susceptibility to, 3. Identifiers: Orphanet 1333, MedGen C3150547, MONDO:0013236, OMIM 613348.
Fanconi anemia complementation group N. Also called: PALB2-Related Fanconi Anemia. Identifiers: Orphanet 84, MedGen C1835817, MONDO:0012565, OMIM 610832. Disease mechanism: loss of function.
Hereditary cancer-predisposing syndrome. Also called: Hereditary neoplastic syndrome; Neoplastic Syndromes, Hereditary; Tumor predisposition; Hereditary Cancer Syndrome. Identifiers: Orphanet 140162, MedGen C0027672, MeSH D009386, MONDO:0015356.
Familial cancer of breast. Also called: BREAST CANCER, FAMILIAL; hereditary breast carcinoma; Hereditary breast cancer. Identifiers: Orphanet 227535, MedGen C0346153, MONDO:0016419, OMIM 114480. Disease mechanism: loss of function.

Allele frequency attached by ClinVar (database versions not stated): gnomAD exomes 0.00001 and 0.00002; ESP Exome Variant Server 0.00008.
gnomAD v4.1: 23 of 1,613,880 alleles (0.0014%); highest among the groups gnomAD compares: Non-Finnish European, 0.0019%; no homozygotes.

Submissions (9):

Labcorp Genetics (formerly Invitae), Labcorp
Classification: Uncertain significance for Familial cancer of breast. Last evaluated: 2025-11-16. Review status: criteria provided, single submitter. Criteria: Invitae Variant Classification Sherloc (09022015). Collection method: clinical testing. Allele origin: germline.
Comment: This sequence change replaces alanine, which is neutral and non-polar, with valine, which is neutral and non-polar, at codon 1173 of the PALB2 protein (p.Ala1173Val). This variant is present in population databases (rs146659762, gnomAD 0.0009%). This missense change has been observed in individual(s) with breast cancer (PMID: 28779002, 30638972). ClinVar contains an entry for this variant (Variation ID: 460999). An algorithm developed to predict the effect of missense changes on protein structure and function (PolyPhen-2) suggests that this variant is likely to be disruptive. RNA analysis performed to evaluate the impact of this missense change on mRNA splicing indicates it does not significantly alter splicing (internal data). In summary, the available evidence is currently insufficient to determine the role of this variant in disease. Therefore, it has been classified as a Variant of Uncertain Significance.

Ambry Genetics
Classification: Uncertain significance for Hereditary cancer-predisposing syndrome. Last evaluated: 2025-03-11. Review status: criteria provided, single submitter. Criteria: Ambry Variant Classification Scheme 2023. Collection method: clinical testing. Allele origin: germline.
Comment: The p.A1173V variant (also known as c.3518C>T), located in coding exon 13 of the PALB2 gene, results from a C to T substitution at nucleotide position 3518. The alanine at codon 1173 is replaced by valine, an amino acid with similar properties. This amino acid position is highly conserved in available vertebrate species. In addition, this alteration is predicted to be tolerated by in silico analysis. Since supporting evidence is limited at this time, the clinical significance of this alteration remains unclear.

Center for Genomic Medicine, Rigshospitalet, Copenhagen University Hospital
Classification: Uncertain significance. Last evaluated: 2025-03-04. Review status: criteria provided, single submitter. Criteria: ACMG Guidelines, 2015. Collection method: clinical testing. Allele origin: germline.

Fulgent Genetics
Classification: Uncertain significance for Fanconi anemia complementation group N; Pancreatic cancer, susceptibility to, 3; Breast-ovarian cancer, familial, susceptibility to, 5. Last evaluated: 2024-02-24. Review status: criteria provided, single submitter. Criteria: ACMG Guidelines, 2015. Collection method: clinical testing. Allele origin: germline.

Baylor Genetics
Classification: Uncertain significance for Familial cancer of breast. Last evaluated: 2023-10-26. Review status: criteria provided, single submitter. Criteria: ACMG Guidelines, 2015. Collection method: clinical testing. Allele origin: unknown.

GeneDx
Classification: Uncertain significance. Last evaluated: 2023-10-06. Review status: criteria provided, single submitter. Criteria: GeneDx Variant Classification Process June 2021. Collection method: clinical testing. Allele origin: germline. Affected: yes.
Comment: In silico analysis supports that this missense variant has a deleterious effect on protein structure/function; Observed in an individual with breast cancer (Decker 2017); Not observed at significant frequency in large population cohorts (gnomAD); This variant is associated with the following publications: (PMID: 28779002)

Color Diagnostics, LLC DBA Color Health
Classification: Uncertain significance for Hereditary cancer-predisposing syndrome. Last evaluated: 2023-10-04. Review status: criteria provided, single submitter. Criteria: ACMG Guidelines, 2015. Collection method: clinical testing. Allele origin: germline.
Comment: This missense variant replaces alanine with valine at codon 1173 of the PALB2 protein. Computational prediction suggests that this variant may not impact protein structure and function (internally defined REVEL score threshold <= 0.5, PMID: 27666373). To our knowledge, functional studies have not been performed for this variant. This variant has been reported in an individual affected with breast cancer (PMID: 28779002) and in a breast cancer case-control meta-analysis in 4/60466 cases and 0/53461 unaffected individuals (PMID: 33471991; Leiden Open Variation Database DB-ID PALB2_010736). This variant has been identified in 2/251472 chromosomes in the general population by the Genome Aggregation Database (gnomAD). The available evidence is insufficient to determine the role of this variant in disease conclusively. Therefore, this variant is classified as a Variant of Uncertain Significance.

Myriad Genetics, Inc.
Classification: Uncertain significance for Familial cancer of breast. Last evaluated: 2023-03-30. Review status: criteria provided, single submitter. Criteria: Myriad Autosomal Dominant, Autosomal Recessive and X-Linked Classification Criteria (2023). Collection method: clinical testing. Allele origin: unknown.
Comment: This variant is classified as a variant of uncertain significance as there is insufficient evidence to determine its impact on protein function and/or cancer risk.

Counsyl
Classification: Uncertain significance for Familial cancer of breast. Last evaluated: 2018-04-19. Review status: no assertion criteria provided. Collection method: clinical testing. Allele origin: unknown. Not counted in ClinVar's aggregate classification.

Literature cited by the submitters: PubMed 28779002 (cited by 4 submitters); PubMed 30638972 (cited by Labcorp Genetics (formerly Invitae), Labcorp); PubMed 33471991 (cited by Color Diagnostics, LLC DBA Color Health).

NM_024675.4(PALB2):c.3518C>T (p.Ala1173Val)

Gene: PALB2 (partner and localizer of BRCA2; minus strand). Cytogenetic location: 16p12.2.
Variant type: single nucleotide variant.
Coding change: c.3518C>T on transcript NM_024675.4 (MANE Select); coding-DNA position 3518, C replaced by T.
Protein change: p.Ala1173Val; replaces alanine 1173 with valine.
Molecular consequence: missense variant.
Genome position (GRCh38, 1-based): chr16:23,603,502, G>A on the plus strand (C>T on the coding strand, the complement: PALB2 is on the minus strand). VCF-style: chr16-23603502-G-A. GRCh37 (hg19) VCF-style: chr16-23614823-G-A.
Other names: short protein forms A1173V.
Identifiers: ClinVar variation 460999 (VCV000460999.29), dbSNP rs146659762, ClinGen allele CA279524893.